The following is an entry in ClinVar:

NM_016216.4(DBR1):c.1240T>C (p.Tyr414His)

Gene: DBR1 (debranching RNA lariats 1; minus strand). Cytogenetic location: 3q22.3.
Variant type: single nucleotide variant.
Coding change: c.1240T>C on transcript NM_016216.4 (MANE Select); coding-DNA position 1240, T replaced by C.
Protein change: p.Tyr414His; replaces tyrosine 414 with histidine.
Molecular consequence: missense variant.
Genome position (GRCh38, 1-based): chr3:138,162,284, A>G on the plus strand (T>C on the coding strand, the complement: DBR1 is on the minus strand). VCF-style: chr3-138162284-A-G. GRCh37 (hg19) VCF-style: chr3-137881126-A-G.
Other names: short protein forms Y414H.
Identifiers: ClinVar variation 2052065 (VCV002052065.4), dbSNP rs2472960214, ClinGen allele CA354670228.
Genomic context (GRCh38, chr3:138,162,284, plus strand): 5'-CTTCATCTAACATTATTTCATCTGGATTAATAGAAGACAGAGCAGATGTGTCTGTATTAT[A>G]TTCACTCTGGTCTTCTCCAGAGTCATTACTCTCCACATCATCCTGTTCTTCATATTCACC-3'
Protein context (NP_057300.2, residues 404-424): SNDSGEDQSE[Tyr414His]NTDTSALSSI

ClinVar aggregate classification (germline): Uncertain significance (1 of 4 stars; one submission).

Submission:

Labcorp Genetics (formerly Invitae), Labcorp
Classification: Uncertain significance. Last evaluated: 2022-02-08. Review status: criteria provided, single submitter. Criteria: Invitae Variant Classification Sherloc (09022015). Collection method: clinical testing. Allele origin: germline.
Comment: This sequence change replaces tyrosine, which is neutral and polar, with histidine, which is basic and polar, at codon 414 of the DBR1 protein (p.Tyr414His). This variant is not present in population databases (gnomAD no frequency). This variant has not been reported in the literature in individuals affected with DBR1-related conditions. Algorithms developed to predict the effect of missense changes on protein structure and function (SIFT, PolyPhen-2, Align-GVGD) all suggest that this variant is likely to be tolerated. In summary, the available evidence is currently insufficient to determine the role of this variant in disease. Therefore, it has been classified as a Variant of Uncertain Significance.